The following is an entry in ClinVar:

NM_000138.5(FBN1):c.5786T>C (p.Ile1929Thr)

Gene: FBN1 (fibrillin 1; minus strand). Cytogenetic location: 15q21.1.
Variant type: single nucleotide variant.
Coding change: c.5786T>C on transcript NM_000138.5 (MANE Select); coding-DNA position 5786, T replaced by C.
Protein change: p.Ile1929Thr; replaces isoleucine 1929 with threonine.
Molecular consequence: missense variant.
Genome position (GRCh38, 1-based): chr15:48,446,708, A>G on the plus strand (T>C on the coding strand, the complement: FBN1 is on the minus strand). VCF-style: chr15-48446708-A-G. GRCh37 (hg19) VCF-style: chr15-48738905-A-G.
Other names: c.5786T>C, p.Ile1929Thr (NM_001406716.1); short protein forms I1929T.
Identifiers: ClinVar variation 3073830 (VCV003073830.1), dbSNP rs750411851, ClinGen allele CA055522.
Genomic context (GRCh38, chr15:48,446,708, plus strand): 5'-TACAAAGAACACATATAAAACTGACTTCCTTTGCTGATGCACAATTTTGCACACGCACCT[A>G]TACAGTCATTGTTGTGAGAAAGGATGAAACCATGATTGCAGCGGCAGTTGAAGGAACCAA-3'
Protein context (NP_000129.3, residues 1919-1939): GFILSHNNDC[Ile1929Thr]DVDECASGNG

ClinVar aggregate classification (germline): Uncertain significance (1 of 4 stars; one submission).

Conditions:
Marfan syndrome (MFS). Also called: MARFAN SYNDROME, TYPE I; Marfan syndrome type 1; Marfan's syndrome; Marfan syndrome, classic; FBN1-Related Marfan Syndrome. Identifiers: Orphanet 284963, Orphanet 558, MedGen C0024796, MONDO:0007947, OMIM 154700.

Allele frequency attached by ClinVar (database versions not stated): gnomAD exomes below 0.00001; ExAC 0.00001.
gnomAD v4.1: 1 of 1,601,026 alleles (0.000062%); highest among the groups gnomAD compares: Admixed American, 0.0017%; no homozygotes.

Submission:

All of Us Research Program, National Institutes of Health
Classification: Uncertain significance for Marfan syndrome. Last evaluated: 2023-10-06. Review status: criteria provided, single submitter. Criteria: ACMG Guidelines, 2015. Collection method: clinical testing. Allele origin: germline. Inheritance: Autosomal dominant inheritance. Observed: 1 variant allele, 1 heterozygote.
Comment: This missense variant replaces isoleucine with threonine at codon 1929 of the FBN1 protein. Computational prediction is inconclusive regarding the impact of this variant on protein structure and function (internally defined REVEL score threshold 0.5 < inconclusive < 0.7, PMID: 27666373). To our knowledge, functional studies have not been reported for this variant. This variant has not been reported in individuals affected with FBN1-related disorders in the literature. This variant has been identified in 2/251078 chromosomes in the general population by the Genome Aggregation Database (gnomAD). The available evidence is insufficient to determine the role of this variant in disease conclusively. Therefore, this variant is classified as a Variant of Uncertain Significance.

This study involves interpretation of variants in research participants for the purpose of population health screening. Participant phenotype was not available at the time of variant classification. Additional details can be found in publication PMID: 35346344, PMCID: PMC8962531